The following is an entry in ClinVar:

NM_000780.4(CYP7A1):c.696C>T (p.His232=)

Gene: CYP7A1 (cytochrome P450 family 7 subfamily A member 1; minus strand). Cytogenetic location: 8q12.1.
Variant type: single nucleotide variant.
Coding change: c.696C>T on transcript NM_000780.4 (MANE Select); coding-DNA position 696, C replaced by T.
Protein change: p.His232=; no amino-acid change (histidine 232 retained).
Molecular consequence: synonymous variant.
Genome position (GRCh38, 1-based): chr8:58,496,816, G>A on the plus strand (C>T on the coding strand, the complement: CYP7A1 is on the minus strand). VCF-style: chr8-58496816-G-A. GRCh37 (hg19) VCF-style: chr8-59409375-G-A.
Identifiers: ClinVar variation 4989459 (VCV004989459.1).

ClinVar aggregate classification (germline): Likely benign (1 of 4 stars; one submission).

Conditions:
CYP7A1-related disorder. Also called: CYP7A1-related condition.

Submission:

PreventionGenetics, part of Exact Sciences
Classification: Likely benign for CYP7A1-related condition. Last evaluated: 2026-04-17. Review status: criteria provided, single submitter. Criteria: ACMG Guidelines, 2015. Collection method: clinical testing. Allele origin: germline.
Comment: This variant is classified as likely benign based on ACMG/AMP sequence variant interpretation guidelines (Richards et al. 2015 PMID: 25741868, with internal and published modifications).